The following is an entry in ClinVar:

NM_153603.4(COG7):c.318+1G>A

Gene: COG7 (component of oligomeric golgi complex 7; minus strand). Cytogenetic location: 16p12.2.
Variant type: single nucleotide variant.
Coding change: c.318+1G>A on transcript NM_153603.4 (MANE Select); the canonical splice donor site of the intron after coding-DNA position 318, G replaced by A.
Molecular consequence: splice donor variant.
Genome position (GRCh38, 1-based): chr16:23,445,812, C>T on the plus strand (G>A on the coding strand, the complement: COG7 is on the minus strand). VCF-style: chr16-23445812-C-T. GRCh37 (hg19) VCF-style: chr16-23457133-C-T.
Identifiers: ClinVar variation 1676422 (VCV001676422.6), dbSNP rs945537370, ClinGen allele CA279486153.
Genomic context (GRCh38, chr16:23,445,812, plus strand): 5'-TGACCACCTTCCCAAAGCAAGAATCACCATTTACAACAGGAGCCAAAAGGAGCCAAAATA[C>T]CTGCATGGATTGAGATGTGTCCTGTTCAAATTTTTTAATGTCCTCCTTGACAAGAATCAT-3'

ClinVar aggregate classification (germline): Likely pathogenic. Review status: criteria provided, multiple submitters, no conflicts (2 of 4 stars). 2 submissions from 2 submitters: Likely pathogenic (2). Last evaluated 2024-10-02.

Conditions:
COG7 congenital disorder of glycosylation (CDG2E). Also called: CDG IIe; CONGENITAL DISORDER OF GLYCOSYLATION, TYPE IIe. Identifiers: Orphanet 79333, MedGen C2931010, MONDO:0012118, OMIM 608779.

Allele frequency attached by ClinVar (database versions not stated): gnomAD exomes 0.00001; TOPMed 0.00001.

Submissions (2):

Labcorp Genetics (formerly Invitae), Labcorp
Classification: Likely pathogenic for COG7 congenital disorder of glycosylation. Last evaluated: 2024-10-02. Review status: criteria provided, single submitter. Criteria: Invitae Variant Classification Sherloc (09022015). Collection method: clinical testing. Allele origin: germline.
Comment: This sequence change affects a donor splice site in intron 2 of the COG7 gene. It is expected to disrupt RNA splicing. Variants that disrupt the donor or acceptor splice site typically lead to a loss of protein function (PMID: 16199547), and loss-of-function variants in COG7 are known to be pathogenic (PMID: 21811164). This variant is not present in population databases (gnomAD no frequency). This variant has not been reported in the literature in individuals affected with COG7-related conditions. ClinVar contains an entry for this variant (Variation ID: 1676422). Algorithms developed to predict the effect of sequence changes on RNA splicing suggest that this variant may disrupt the consensus splice site. In summary, the currently available evidence indicates that the variant is pathogenic, but additional data are needed to prove that conclusively. Therefore, this variant has been classified as Likely Pathogenic.

GeneDx
Classification: Likely pathogenic. Last evaluated: 2021-10-11. Review status: criteria provided, single submitter. Criteria: GeneDx Variant Classification Process June 2021. Collection method: clinical testing. Allele origin: germline. Affected: yes.
Comment: Canonical splice site variant predicted to result in a null allele in a gene for which loss-of-function is a known mechanism of disease; Not observed at significant frequency in large population cohorts (gnomAD); Has not been previously published as pathogenic or benign to our knowledge

Literature cited by the submitters: PubMed 16199547 (cited by Labcorp Genetics (formerly Invitae), Labcorp); PubMed 21811164 (cited by Labcorp Genetics (formerly Invitae), Labcorp).